The following is an entry in ClinVar:

NM_001244008.2(KIF1A):c.4874C>T (p.Pro1625Leu)

Gene: KIF1A (kinesin family member 1A; minus strand). Cytogenetic location: 2q37.3.
Variant type: single nucleotide variant.
Coding change: c.4874C>T on transcript NM_001244008.2 (MANE Select); coding-DNA position 4874, C replaced by T.
Protein change: p.Pro1625Leu; replaces proline 1625 with leucine.
Molecular consequence: missense variant.
Genome position (GRCh38, 1-based): chr2:240,719,921, G>A on the plus strand (C>T on the coding strand, the complement: KIF1A is on the minus strand). VCF-style: chr2-240719921-G-A. GRCh37 (hg19) VCF-style: chr2-241659338-G-A.
Other names: c.4598C>T, p.Pro1533Leu (NM_001320705.2, NM_001379649.1); c.4625C>T, p.Pro1542Leu (NM_001330289.2); c.4673C>T, p.Pro1558Leu (NM_001330290.2, NM_001379648.1); c.4949C>T, p.Pro1650Leu (NM_001379631.1); c.4850C>T, p.Pro1617Leu (NM_001379632.1); c.4847C>T, p.Pro1616Leu (NM_001379633.1, NM_001379645.1); c.4700C>T, p.Pro1567Leu (NM_001379634.1); c.4697C>T, p.Pro1566Leu (NM_001379635.1, NM_001379646.1); and 7 more; short protein forms P1562L, P1524L, P1533L, P1542L, P1549L, P1650L, P1532L, P1558L.
Identifiers: ClinVar variation 1407524 (VCV001407524.8), dbSNP rs567604039, ClinGen allele CA2207259.
Genomic context (GRCh38, chr2:240,719,921, plus strand): 5'-TTGGAGTCGGCCTCTGGCAGCAGCTCGGGCTCTGGGCTGGCTGGCCGGGAGCAGGGCTGC[G>A]GGGTCCTGGGAAGCAGAGGGAAGTGCTGCCCACTGCAGGCCTCCCTGGGCCTGGGGCCGT-3'
Protein context (NP_001230937.1, residues 1615-1635): GRYGATDLRT[Pro1625Leu]QPCSRPASPE

ClinVar aggregate classification (germline): Conflicting classifications of pathogenicity. Review status: criteria provided, conflicting classifications (1 of 4 stars). 2 submissions from 2 submitters: Uncertain significance (1); Likely benign (1). Last evaluated 2025-05-11.

Conditions:
Inborn genetic diseases. Identifiers: MedGen C0950123, MeSH D030342.
Hereditary spastic paraplegia 30. Identifiers: Orphanet 101010, MedGen C5235139, MONDO:0012476.
Neuropathy, hereditary sensory, type 2C. Also called: Hereditary sensory and autonomic neuropathy type IIC; KIF1A-Related HSAN2 (HSAN2C). Identifiers: Orphanet 970, MedGen C3280168, MONDO:0013634, OMIM 614213.
Intellectual disability, autosomal dominant 9 (NESCAVS). Also called: NESCAV SYNDROME; KIF1A-Related Neurodevelopmental Disorder. Identifiers: Orphanet 662367, MedGen C5393830, MONDO:0013656, OMIM 614255.

Allele frequency attached by ClinVar (database versions not stated): ExAC 0.00001; gnomAD 0.00001 and 0.00002; gnomAD exomes 0.00002; TOPMed 0.00002; 1000 Genomes Project 30x 0.00016; 1000 Genomes Project 0.00020.
gnomAD v4.1: 50 of 1,608,090 alleles (0.0031%); highest among the groups gnomAD compares: East Asian, 0.0067%; no homozygotes.

Submissions (2):

Labcorp Genetics (formerly Invitae), Labcorp
Classification: Likely benign for Hereditary spastic paraplegia 30; Neuropathy, hereditary sensory, type 2C; Intellectual disability, autosomal dominant 9. Last evaluated: 2025-05-11. Review status: criteria provided, single submitter. Criteria: Invitae Variant Classification Sherloc (09022015). Collection method: clinical testing. Allele origin: germline.

Ambry Genetics
Classification: Uncertain significance for Inborn genetic diseases. Last evaluated: 2021-04-24. Review status: criteria provided, single submitter. Criteria: Ambry Variant Classification Scheme 2023. Collection method: clinical testing. Allele origin: germline.
Comment: The p.P1625L variant (also known as c.4874C>T), located in coding exon 45 of the KIF1A gene, results from a C to T substitution at nucleotide position 4874. The proline at codon 1625 is replaced by leucine, an amino acid with similar properties. This amino acid position is well conserved in available vertebrate species; however, leucine is the reference amino acid in other vertebrate species. In addition, this alteration is predicted to be tolerated by in silico analysis. Since supporting evidence is limited at this time, the clinical significance of this alteration remains unclear.